The following is an entry in ClinVar:

ClinVar aggregate classification (germline): Conflicting classifications of pathogenicity. Review status: criteria provided, conflicting classifications (1 of 4 stars). 10 submissions from 10 submitters: Uncertain significance (2); Benign (1); Likely benign (6). 1 of the submissions does not count toward it. Last evaluated 2026-01-27.

Conditions:
TSC2-related disorder. Also called: TSC2-Related Disorders; TSC2-related condition.
Hereditary cancer-predisposing syndrome. Also called: Neoplastic Syndromes, Hereditary; Hereditary Cancer Syndrome; Tumor predisposition; Hereditary neoplastic syndrome. Identifiers: Orphanet 140162, MedGen C0027672, MeSH D009386, MONDO:0015356.
Tuberous sclerosis syndrome (TSC). Also called: Tuberous Sclerosis Complex; Tuberous sclerosis. Identifiers: Orphanet 805, MedGen C0041341, MONDO:0001734.
Tuberous sclerosis 2 (TSC2). Identifiers: Orphanet 805, MedGen C1860707, MONDO:0013199, OMIM 613254.

Allele frequency attached by ClinVar (database versions not stated): gnomAD exomes 0.00002 and 0.00006; gnomAD 0.00011 and 0.00012; TOPMed 0.00012; ExAC 0.00014; ESP Exome Variant Server 0.00039.
gnomAD v4.1: 42 of 1,601,656 alleles (0.0026%); highest among the groups gnomAD compares: African/African-American, 0.033%; no homozygotes.

Submissions (10):

Labcorp Genetics (formerly Invitae), Labcorp
Classification: Benign for Tuberous sclerosis 2. Last evaluated: 2026-01-27. Review status: criteria provided, single submitter. Criteria: Invitae Variant Classification Sherloc (09022015). Collection method: clinical testing. Allele origin: germline.

Clinical Genomics Laboratory, Washington University in St. Louis
Classification: Uncertain significance for Tuberous sclerosis 2. Last evaluated: 2025-10-02. Review status: criteria provided, single submitter. Criteria: ACMG Guidelines, 2015. Collection method: clinical testing. Allele origin: germline.
Comment: A TSC2 c.3919G>A (p.Glu1307Lys) variant was identified at a near heterozygous allelic fraction of 46.7%, a frequency which may be consistent with it being of germline origin. This variant, to our knowledge, has not been reported in the medical literature. It is observed on 42/1,601,656 alleles in the general population (gnomAD v4.1.0). The TSC2 c.3919G>A (p.Glu1307Lys) variant has been reported in the ClinVar database as a germline variant of uncertain significance by one submitter and a likely benign/benign variant by seven submitters (ClinVar Variation ID: 238031). Due to limited information, and based on ACMG/AMP guidelines for variant interpretation (Richards S et al., PMID:25741868), the clinical significance of this variant is uncertain at this time.

Myriad Genetics, Inc.
Classification: Likely benign for Tuberous sclerosis 2. Last evaluated: 2024-08-20. Review status: criteria provided, single submitter. Criteria: Myriad Autosomal Dominant, Autosomal Recessive and X-Linked Classification Criteria (2023). Collection method: clinical testing. Allele origin: unknown.
Comment: This variant is considered likely benign. This variant has been observed at a population frequency that is significantly greater than expected given the associated disease prevalence and penetrance.

Color Diagnostics, LLC DBA Color Health
Classification: Likely benign for Tuberous sclerosis syndrome. Last evaluated: 2022-10-05. Review status: criteria provided, single submitter. Criteria: ACMG Guidelines, 2015. Collection method: clinical testing. Allele origin: germline.

Genome-Nilou Lab
Classification: Likely benign for Tuberous sclerosis 2. Last evaluated: 2021-11-07. Review status: criteria provided, single submitter. Criteria: ACMG Guidelines, 2015. Collection method: clinical testing. Allele origin: germline. Affected: no.

GeneDx
Classification: Likely benign. Last evaluated: 2021-04-19. Review status: criteria provided, single submitter. Criteria: GeneDx Variant Classification Process June 2021. Collection method: clinical testing. Allele origin: germline. Affected: yes.

Ambry Genetics
Classification: Likely benign for Hereditary cancer-predisposing syndrome. Last evaluated: 2020-05-27. Review status: criteria provided, single submitter. Criteria: Ambry Variant Classification Scheme 2023. Collection method: clinical testing. Allele origin: germline.

Illumina Laboratory Services, Illumina
Classification: Likely benign for Tuberous sclerosis syndrome. Last evaluated: 2018-01-13. Review status: criteria provided, single submitter. Criteria: ICSL Variant Classification Criteria 13 December 2019. Collection method: clinical testing. Allele origin: germline.
Comment: This variant was observed in the ICSL laboratory as part of a predisposition screen in an ostensibly healthy population. It had not been previously curated by ICSL or reported in the Human Gene Mutation Database (HGMD: prior to June 1st, 2018), and was therefore a candidate for classification through an automated scoring system. Utilizing variant allele frequency, disease prevalence and penetrance estimates, and inheritance mode, an automated score was calculated to assess if this variant is too frequent to cause the disease. Based on the score and internal cut-off values, a variant classified as likely benign is not then subjected to further curation. The score for this variant resulted in a classification of likely benign for this disease.

Eurofins Ntd Llc (ga)
Classification: Uncertain significance. Last evaluated: 2016-12-28. Review status: criteria provided, single submitter. Criteria: EGL Classification Definitions 2015. Collection method: clinical testing. Allele origin: germline. Observed: 1 variant allele, 1 heterozygote.

PreventionGenetics, part of Exact Sciences
Classification: Likely benign for TSC2-related condition. Last evaluated: 2022-08-04. Review status: no assertion criteria provided. Collection method: clinical testing. Allele origin: germline. Not counted in ClinVar's aggregate classification.
Comment: This variant is classified as likely benign based on ACMG/AMP sequence variant interpretation guidelines (Richards et al. 2015 PMID: 25741868, with internal and published modifications).

NM_000548.5(TSC2):c.3919G>A (p.Glu1307Lys)

Gene: TSC2 (TSC complex subunit 2; plus strand). Cytogenetic location: 16p13.3.
Variant type: single nucleotide variant.
Coding change: c.3919G>A on transcript NM_000548.5 (MANE Select); coding-DNA position 3919, G replaced by A.
Protein change: p.Glu1307Lys; replaces glutamic acid 1307 with lysine.
Molecular consequence: missense variant.
Genome position (GRCh38, 1-based): chr16:2,083,730, G>A. VCF-style: chr16-2083730-G-A. GRCh37 (hg19) VCF-style: chr16-2133731-G-A.
Other names: c.3718G>A, p.Glu1240Lys (NM_001077183.3); c.3850G>A, p.Glu1284Lys (NM_001114382.3); c.3610G>A, p.Glu1204Lys (NM_001318827.2); c.3574G>A, p.Glu1192Lys (NM_001318829.2); c.3187G>A, p.Glu1063Lys (NM_001318831.2); c.3751G>A, p.Glu1251Lys (NM_001318832.2); c.3721G>A, p.Glu1241Lys (NM_001363528.2); c.3787G>A, p.Glu1263Lys (NM_001370404.1); and 2 more; short protein forms E1307K, E1204K, E1264K, E1284K, E1063K, E1241K, E1263K, E1192K.
Identifiers: ClinVar variation 238031 (VCV000238031.32), dbSNP rs62642481, ClinGen allele CA049623.
Genomic context (GRCh38, chr16:2,083,730, plus strand): 5'-AGCAGCCCCGTCTGTGTCCTCCCAGACTCCGCCGTGGTCATGGAGGAGGGAAGTCCGGGC[G>A]AGGTTCCTGTGCTGGTGGAGCCCCCAGGGTTGGAGGACGTTGAGGCAGCGCTAGGCATGG-3'
Protein context (NP_000539.2, residues 1297-1317): AVVMEEGSPG[Glu1307Lys]VPVLVEPPGL